The following is an entry in ClinVar:

NM_019844.4(SLCO1B3):c.1672T>C (p.Leu558=)

Genes: SLCO1B3 (solute carrier organic anion transporter family member 1B3; plus strand), SLCO1B3-SLCO1B7 (SLCO1B3-SLCO1B7 readthrough; plus strand). Cytogenetic location: 12p12.2.
Variant type: single nucleotide variant.
Coding change: c.1672T>C on transcript NM_019844.4 (MANE Select); coding-DNA position 1672, T replaced by C.
Protein change: p.Leu558=; no amino-acid change (leucine 558 retained).
Molecular consequence: synonymous variant.
Genome position (GRCh38, 1-based): chr12:20,883,592, T>C. VCF-style: chr12-20883592-T-C. GRCh37 (hg19) VCF-style: chr12-21036526-T-C.
Other names: c.1672T>C, p.Leu558= (NM_001371097.1); c.1588T>C, p.Leu530= (NM_001349920.2).
Identifiers: ClinVar variation 3060445 (VCV003060445.2), dbSNP rs766019973, ClinGen allele CA6475646.
Genomic context (GRCh38, chr12:20,883,592, plus strand): 5'-GTTGCAATTCAAGTCATAAACTCTTTGTTCTCTGCAACAGGAGGTACCACATTTATCTTG[T>C]TGACTGTGAAGTAAGTATGATCCTGTAAAACATTGTCATGTATATTAGACTAAAACACAC-3'
Protein context (NP_062818.1, residues 548-568): SATGGTTFIL[Leu558=]TVKIVQPELK

ClinVar aggregate classification (germline): Likely benign (0 of 4 stars; one submission).

Conditions:
SLCO1B3-related disorder. Also called: SLCO1B3-related condition.

Allele frequency attached by ClinVar (database versions not stated): gnomAD 0.00001; TOPMed 0.00001; gnomAD exomes 0.00003; ExAC 0.00004.
gnomAD v4.1: 39 of 1,586,386 alleles (0.0025%); highest among the groups gnomAD compares: Non-Finnish European, 0.0033%; no homozygotes.

Submission:

PreventionGenetics, part of Exact Sciences
Classification: Likely benign for SLCO1B3-related condition. Last evaluated: 2022-07-12. Review status: no assertion criteria provided. Collection method: clinical testing. Allele origin: germline.
Comment: This variant is classified as likely benign based on ACMG/AMP sequence variant interpretation guidelines (Richards et al. 2015 PMID: 25741868, with internal and published modifications).